The following is an entry in ClinVar:

ClinVar aggregate classification (germline): Uncertain significance (1 of 4 stars; one submission).

Conditions:
Catecholaminergic polymorphic ventricular tachycardia 1. Also called: VENTRICULAR TACHYCARDIA, STRESS-INDUCED POLYMORPHIC 1; VENTRICULAR TACHYCARDIA, CATECHOLAMINERGIC POLYMORPHIC, 1, WITH OR WITHOUT ATRIAL DYSFUNCTION AND/OR DILATED CARDIOMYOPATHY; RYR2-Related Catecholaminergic Polymorphic Ventricular Tachycardia. Identifiers: Orphanet 3286, MedGen C1631597, MONDO:0011484, OMIM 604772.

Submission:

Labcorp Genetics (formerly Invitae), Labcorp
Classification: Uncertain significance for Catecholaminergic polymorphic ventricular tachycardia 1. Last evaluated: 2023-01-03. Review status: criteria provided, single submitter. Criteria: Invitae Variant Classification Sherloc (09022015). Collection method: clinical testing. Allele origin: germline.
Comment: In summary, the available evidence is currently insufficient to determine the role of this variant in disease. Therefore, it has been classified as a Variant of Uncertain Significance. Advanced modeling of protein sequence and biophysical properties (such as structural, functional, and spatial information, amino acid conservation, physicochemical variation, residue mobility, and thermodynamic stability) performed at Invitae indicates that this missense variant is expected to disrupt RYR2 protein function. This missense change has been observed in individual(s) with catecholaminergic polymorphic ventricular tachycardia (Invitae). This variant is not present in population databases (gnomAD no frequency). This sequence change replaces histidine, which is basic and polar, with tyrosine, which is neutral and polar, at codon 4762 of the RYR2 protein (p.His4762Tyr).

NM_001035.3(RYR2):c.14284C>T (p.His4762Tyr)

Gene: RYR2 (ryanodine receptor 2; plus strand). Cytogenetic location: 1q43.
Variant type: single nucleotide variant.
Coding change: c.14284C>T on transcript NM_001035.3 (MANE Select); coding-DNA position 14284, C replaced by T.
Protein change: p.His4762Tyr; replaces histidine 4762 with tyrosine.
Molecular consequence: missense variant.
Genome position (GRCh38, 1-based): chr1:237,806,269, C>T. VCF-style: chr1-237806269-C-T. GRCh37 (hg19) VCF-style: chr1-237969569-C-T.
Other names: short protein forms H4762Y.
Identifiers: ClinVar variation 2826043 (VCV002826043.3), dbSNP rs2528138583, ClinGen allele CA345423338.
Genomic context (GRCh38, chr1:237,806,269, plus strand): 5'-CACCTTCTCGACATTGCTATGGGATTCAAGACATTAAGAACCATCTTGTCCTCAGTAACT[C>T]ACAATGGCAAACAGGTAAACAGTTTATCTTTTTCCTCCCTTGCAGAAAATAAAAAAGCAA-3'
Protein context (NP_001026.2, residues 4752-4772): TLRTILSSVT[His4762Tyr]NGKQLVLTVG